The following is an entry in ClinVar:

NM_001005242.3(PKP2):c.1271T>C (p.Phe424Ser)

Gene: PKP2 (plakophilin 2; minus strand). Cytogenetic location: 12p11.21.
Variant type: single nucleotide variant.
Coding change: c.1271T>C on transcript NM_001005242.3 (MANE Select); coding-DNA position 1271, T replaced by C.
Protein change: p.Phe424Ser; replaces phenylalanine 424 with serine.
Molecular consequence: missense variant.
Genome position (GRCh38, 1-based): chr12:32,850,873, A>G on the plus strand (T>C on the coding strand, the complement: PKP2 is on the minus strand). VCF-style: chr12-32850873-A-G. GRCh37 (hg19) VCF-style: chr12-33003807-A-G.
Other names: c.1271T>C, p.Phe424Ser (NM_004572.4); short protein forms F424S.
Identifiers: ClinVar variation 45017 (VCV000045017.7), dbSNP rs397516990, ClinGen allele CA010935.
Genomic context (GRCh38, chr12:32,850,873, plus strand): 5'-TGGAGCAGCCGAGGTACCCCATTTAGTTCAGCCACCTCCAATTTGTTGTCATTGTCTTCA[A>G]ATACTAAGTTTCTCAAGGCCCCACACACAGCTCGCTGAACGTCTTCATTCTGAACTTTTA-3'
Protein context (NP_001005242.2, residues 414-434): AVCGALRNLV[Phe424Ser]EDNDNKLEVA

ClinVar aggregate classification (germline): Uncertain significance. Review status: criteria provided, multiple submitters, no conflicts (2 of 4 stars). 3 submissions from 3 submitters: Uncertain significance (2). 1 of the submissions does not count toward it. Last evaluated 2024-07-29.

Conditions:
Cardiovascular phenotype. Identifiers: MedGen CN230736.
Arrhythmogenic right ventricular cardiomyopathy (ARVD). Also called: Arrhythmogenic right ventricular dysplasia; Arrhythmogenic cardiomyopathy; Arrhythmogenic Right Ventricular Cardiomyopathy (ARVC); Cardiomyopathy, ARVC. Identifiers: Orphanet 247, MedGen C0349788, MeSH D019571, MONDO:0016587. Disease mechanism: loss of function. Inheritance: Various modes of inheritance.

Allele frequency attached by ClinVar (database versions not stated): gnomAD exomes below 0.00001.
gnomAD v4.1: 1 of 1,613,976 alleles (0.000062%); highest among the groups gnomAD compares: Non-Finnish European, 0.000085%; no homozygotes.

Submissions (3):

All of Us Research Program, National Institutes of Health
Classification: Uncertain significance for Arrhythmogenic right ventricular cardiomyopathy. Last evaluated: 2024-07-29. Review status: criteria provided, single submitter. Criteria: ACMG Guidelines, 2015. Collection method: clinical testing. Allele origin: germline. Inheritance: Autosomal dominant inheritance. Observed: 1 variant allele, 1 heterozygote.
Comment: This study involves interpretation of variants in research participants for the purpose of population health screening. Participant phenotype was not available at the time of variant classification. Additional details can be found in publication PMID: 35346344, PMCID: PMC8962531

Ambry Genetics
Classification: Uncertain significance for Cardiovascular phenotype. Last evaluated: 2024-06-28. Review status: criteria provided, single submitter. Criteria: Ambry Variant Classification Scheme 2023. Collection method: clinical testing. Allele origin: germline.
Comment: The p.F424S variant (also known as c.1271T>C), located in coding exon 5 of the PKP2 gene, results from a T to C substitution at nucleotide position 1271. The phenylalanine at codon 424 is replaced by serine, an amino acid with highly dissimilar properties. This variant has been detected in individuals with features consistent with arrhythmogenic right ventricular cardiomyopathy (Dalal D et al. J Am Coll Cardiol, 2006 Oct;48:1416-24; Dalal D et al. Circulation, 2006 Apr;113:1641-9; Tan BY et al. J Cardiovasc Transl Res, 2010 Dec;3:663-73; Asimaki A et al. Circ Arrhythm Electrophysiol, 2016 Feb;9:e003688; Orgeron GM et al. J Am Heart Assoc, 2017 Jun;6). This amino acid position is well conserved in available vertebrate species. In addition, the in silico prediction for this alteration is inconclusive. Based on the available evidence, the clinical significance of this variant remains unclear.

Laboratory for Molecular Medicine, Mass General Brigham Personalized Medicine
Classification: Likely pathogenic for Arrhythmogenic right ventricular cardiomyopathy. Last evaluated: 2009-05-18. Review status: no assertion criteria provided. Collection method: clinical testing. Allele origin: germline. Observed: 1 variant allele. Not counted in ClinVar's aggregate classification.

Literature cited by the submitters: PubMed 16549640 (cited by Ambry Genetics and Laboratory for Molecular Medicine, Mass General Brigham Personalized Medicine); PubMed 17010805 (cited by Ambry Genetics and Laboratory for Molecular Medicine, Mass General Brigham Personalized Medicine); PubMed 20857253 (cited by Ambry Genetics); PubMed 26850880 (cited by Ambry Genetics); PubMed 28588093 (cited by Ambry Genetics); PubMed 19358943 (cited by Laboratory for Molecular Medicine, Mass General Brigham Personalized Medicine).